The following is an entry in ClinVar:

ClinVar aggregate classification (germline): Uncertain significance. Review status: criteria provided, multiple submitters, no conflicts (2 of 4 stars). 2 submissions from 2 submitters: Uncertain significance (2). Last evaluated 2025-02-04.

Conditions:
Inborn genetic diseases. Identifiers: MedGen C0950123, MeSH D030342.

gnomAD v4.1: 15 of 1,614,126 alleles (0.00093%); highest among the groups gnomAD compares: Admixed American, 0.0017%; no homozygotes.

Submissions (2):

Labcorp Genetics (formerly Invitae), Labcorp
Classification: Uncertain significance. Last evaluated: 2025-02-04. Review status: criteria provided, single submitter. Criteria: Invitae Variant Classification Sherloc (09022015). Collection method: clinical testing. Allele origin: germline.
Comment: This sequence change replaces valine, which is neutral and non-polar, with methionine, which is neutral and non-polar, at codon 87 of the FLVCR2 protein (p.Val87Met). This variant is present in population databases (rs761378974, gnomAD 0.0009%). This variant has not been reported in the literature in individuals affected with FLVCR2-related conditions. ClinVar contains an entry for this variant (Variation ID: 3516121). Invitae Evidence Modeling of protein sequence and biophysical properties (such as structural, functional, and spatial information, amino acid conservation, physicochemical variation, residue mobility, and thermodynamic stability) indicates that this missense variant is not expected to disrupt FLVCR2 protein function with a negative predictive value of 80%. In summary, the available evidence is currently insufficient to determine the role of this variant in disease. Therefore, it has been classified as a Variant of Uncertain Significance.

Ambry Genetics
Classification: Uncertain significance for Inborn genetic diseases. Last evaluated: 2024-08-01. Review status: criteria provided, single submitter. Criteria: Ambry Variant Classification Scheme 2023. Collection method: clinical testing. Allele origin: germline.

NM_017791.3(FLVCR2):c.259G>A (p.Val87Met)

Genes: FLVCR2 (FLVCR choline and putative heme transporter 2; plus strand), FLVCR2-AS1 (FLVCR2 antisense RNA 1; minus strand). Cytogenetic location: 14q24.3.
Variant type: single nucleotide variant.
Coding change: c.259G>A on transcript NM_017791.3 (MANE Select); coding-DNA position 259, G replaced by A.
Protein change: p.Val87Met; replaces valine 87 with methionine.
Molecular consequence: missense variant. On other transcripts: non-coding transcript variant (1).
Genome position (GRCh38, 1-based): chr14:75,579,231, G>A. VCF-style: chr14-75579231-G-A. GRCh37 (hg19) VCF-style: chr14-76045574-G-A.
Other names: short protein forms V87M.
Identifiers: ClinVar variation 3516121 (VCV003516121.2).